The following is an entry in ClinVar:

NM_002471.4(MYH6):c.310A>C (p.Asn104His)

Genes: MYH6 (myosin heavy chain 6; minus strand), LOC114827851 (VISTA enhancer hs2155; plus strand). Cytogenetic location: 14q11.2.
Variant type: single nucleotide variant.
Coding change: c.310A>C on transcript NM_002471.4 (MANE Select); coding-DNA position 310, A replaced by C.
Protein change: p.Asn104His; replaces asparagine 104 with histidine.
Molecular consequence: missense variant.
Genome position (GRCh38, 1-based): chr14:23,405,662, T>G on the plus strand (A>C on the coding strand, the complement: MYH6 is on the minus strand). VCF-style: chr14-23405662-T-G. GRCh37 (hg19) VCF-style: chr14-23874871-T-G.
Other names: short protein forms N104H.
Identifiers: ClinVar variation 1498377 (VCV001498377.8), dbSNP rs2138620434, ClinGen allele CA389031527.
Genomic context (GRCh38, chr14:23,405,662, plus strand): 5'-TCTGCAGTGTGCAGGAGCCACTCACATATATCATCCAGGCCGCGTAGCGCTCCTTGAGGT[T>G]GAAAAGCACCGCGGGCTCGTGCAGGAAGGTCAGCATGGCCATGTCCTCAATCTTGTCGAA-3'
Protein context (NP_002462.2, residues 94-114): TFLHEPAVLF[Asn104His]LKERYAAWMI

ClinVar aggregate classification (germline): Uncertain significance (1 of 4 stars; one submission).

Conditions:
Hypertrophic cardiomyopathy 14. Identifiers: MedGen C2750467, MONDO:0013197, OMIM 613251.

Submission:

Labcorp Genetics (formerly Invitae), Labcorp
Classification: Uncertain significance for Hypertrophic cardiomyopathy 14. Last evaluated: 2021-03-23. Review status: criteria provided, single submitter. Criteria: Invitae Variant Classification Sherloc (09022015). Collection method: clinical testing. Allele origin: germline.
Comment: Algorithms developed to predict the effect of missense changes on protein structure and function are either unavailable or do not agree on the potential impact of this missense change (SIFT: "Deleterious"; PolyPhen-2: "Probably Damaging"; Align-GVGD: "Class C0"). In summary, the available evidence is currently insufficient to determine the role of this variant in disease. Therefore, it has been classified as a Variant of Uncertain Significance. This variant has not been reported in the literature in individuals with MYH6-related conditions. This variant is not present in population databases (ExAC no frequency). This sequence change replaces asparagine with histidine at codon 104 of the MYH6 protein (p.Asn104His). The asparagine residue is weakly conserved and there is a small physicochemical difference between asparagine and histidine.